The following is an entry in ClinVar:

ClinVar aggregate classification (germline): Uncertain significance (1 of 4 stars; one submission).

Submission:

Ambry Genetics
Classification: Uncertain significance. Last evaluated: 2023-06-08. Review status: criteria provided, single submitter. Criteria: Ambry Variant Classification Scheme 2023. Collection method: clinical testing. Allele origin: germline.
Comment: The p.E909G variant (also known as c.2726A>G), located in coding exon 4 of the ALPK2 gene, results from an A to G substitution at nucleotide position 2726. The glutamic acid at codon 909 is replaced by glycine, an amino acid with similar properties. This amino acid position is conserved. In addition, this alteration is predicted to be tolerated by in silico analysis. Since supporting evidence is limited at this time, the clinical significance of this alteration remains unclear.

NM_052947.4(ALPK2):c.2726A>G (p.Glu909Gly)

Gene: ALPK2 (alpha kinase 2; minus strand). Cytogenetic location: 18q21.31.
Variant type: single nucleotide variant.
Coding change: c.2726A>G on transcript NM_052947.4 (MANE Select); coding-DNA position 2726, A replaced by G.
Protein change: p.Glu909Gly; replaces glutamic acid 909 with glycine.
Molecular consequence: missense variant.
Genome position (GRCh38, 1-based): chr18:58,537,461, T>C on the plus strand (A>G on the coding strand, the complement: ALPK2 is on the minus strand). VCF-style: chr18-58537461-T-C. GRCh37 (hg19) VCF-style: chr18-56204693-T-C.
Other names: short protein forms E909G.
Identifiers: ClinVar variation 2564115 (VCV002564115.2), dbSNP rs2518877323, ClinGen allele CA402569915.